The following is an entry in ClinVar:

ClinVar aggregate classification (germline): Uncertain significance. Review status: criteria provided, multiple submitters, no conflicts (2 of 4 stars). 2 submissions from 2 submitters: Uncertain significance (2). Last evaluated 2024-11-08.

Conditions:
Inborn genetic diseases. Identifiers: MedGen C0950123, MeSH D030342.

Allele frequency attached by ClinVar (database versions not stated): gnomAD exomes 0.00001; TOPMed 0.00001.
gnomAD v4.1: 8 of 1,605,970 alleles (0.0005%); highest among the groups gnomAD compares: Non-Finnish European, 0.00059%; no homozygotes.

Submissions (2):

Ambry Genetics
Classification: Uncertain significance for Inborn genetic diseases. Last evaluated: 2024-11-08. Review status: criteria provided, single submitter. Criteria: Ambry Variant Classification Scheme 2023. Collection method: clinical testing. Allele origin: germline.

Labcorp Genetics (formerly Invitae), Labcorp
Classification: Uncertain significance. Last evaluated: 2022-06-14. Review status: criteria provided, single submitter. Criteria: Invitae Variant Classification Sherloc (09022015). Collection method: clinical testing. Allele origin: germline.
Comment: This sequence change replaces serine, which is neutral and polar, with glycine, which is neutral and non-polar, at codon 358 of the ADAMTSL4 protein (p.Ser358Gly). This variant is not present in population databases (gnomAD no frequency). This variant has not been reported in the literature in individuals affected with ADAMTSL4-related conditions. Algorithms developed to predict the effect of missense changes on protein structure and function output the following: SIFT: "Tolerated"; PolyPhen-2: "Benign"; Align-GVGD: "Class C0". The glycine amino acid residue is found in multiple mammalian species, which suggests that this missense change does not adversely affect protein function. In summary, the available evidence is currently insufficient to determine the role of this variant in disease. Therefore, it has been classified as a Variant of Uncertain Significance.

NM_019032.6(ADAMTSL4):c.1072A>G (p.Ser358Gly)

Genes: ADAMTSL4 (ADAMTS like 4; plus strand), ADAMTSL4-AS2 (ADAMTSL4 antisense RNA 2; minus strand). Cytogenetic location: 1q21.2.
Variant type: single nucleotide variant.
Coding change: c.1072A>G on transcript NM_019032.6 (MANE Select); coding-DNA position 1072, A replaced by G.
Protein change: p.Ser358Gly; replaces serine 358 with glycine.
Molecular consequence: missense variant.
Genome position (GRCh38, 1-based): chr1:150,554,063, A>G. VCF-style: chr1-150554063-A-G. GRCh37 (hg19) VCF-style: chr1-150526539-A-G.
Other names: c.1072A>G, p.Ser358Gly (NM_001288607.2, NM_001288608.2, NM_001378596.1 and 1 more transcripts); c.1072A>G (NM_019032.4); short protein forms S358G.
Identifiers: ClinVar variation 1376177 (VCV001376177.4), dbSNP rs1671739300, ClinGen allele CA342303597.
Genomic context (GRCh38, chr1:150,554,063, plus strand): 5'-TGGCTGCCCCTGCTGAGCAACGGCCCCCATGCCAGCTCCCTCTGGAGCCTCTTTGCTCCC[A>G]GTAGCCCTATTCCAAGATGTTCTGGGGAGAGTGAACAGCTAAGAGCCTGCAGCCAAGCGG-3'
Protein context (NP_061905.2, residues 348-368): ASSLWSLFAP[Ser358Gly]SPIPRCSGES